The following is an entry in ClinVar:

ClinVar aggregate classification (germline): Uncertain significance. Review status: criteria provided, multiple submitters, no conflicts (2 of 4 stars). 2 submissions from 2 submitters: Uncertain significance (2). Last evaluated 2025-11-15.

Conditions:
Inborn genetic diseases. Identifiers: MedGen C0950123, MeSH D030342.

Submissions (2):

Labcorp Genetics (formerly Invitae), Labcorp
Classification: Uncertain significance. Last evaluated: 2025-11-15. Review status: criteria provided, single submitter. Criteria: Invitae Variant Classification Sherloc (09022015). Collection method: clinical testing. Allele origin: germline.
Comment: This sequence change replaces lysine, which is basic and polar, with threonine, which is neutral and polar, at codon 506 of the SAMD9 protein (p.Lys506Thr). This variant is not present in population databases (gnomAD no frequency). This variant has not been reported in the literature in individuals affected with SAMD9-related conditions. ClinVar contains an entry for this variant (Variation ID: 3437096). Invitae Evidence Modeling of protein sequence and biophysical properties (such as structural, functional, and spatial information, amino acid conservation, physicochemical variation, residue mobility, and thermodynamic stability) indicates that this missense variant is not expected to disrupt SAMD9 protein function with a negative predictive value of 95%. In summary, the available evidence is currently insufficient to determine the role of this variant in disease. Therefore, it has been classified as a Variant of Uncertain Significance.

Ambry Genetics
Classification: Uncertain significance for Inborn genetic diseases. Last evaluated: 2024-12-08. Review status: criteria provided, single submitter. Criteria: Ambry Variant Classification Scheme 2023. Collection method: clinical testing. Allele origin: germline.
Comment: The p.K506T variant (also known as c.1517A>C), located in coding exon 1 of the SAMD9 gene, results from an A to C substitution at nucleotide position 1517. The lysine at codon 506 is replaced by threonine, an amino acid with similar properties. This amino acid position is conserved. In addition, this alteration is predicted to be tolerated by in silico analysis. Based on the available evidence, the clinical significance of this variant remains unclear.

NM_017654.4(SAMD9):c.1517A>C (p.Lys506Thr)

Gene: SAMD9 (sterile alpha motif domain containing 9; minus strand). Cytogenetic location: 7q21.2.
Variant type: single nucleotide variant.
Coding change: c.1517A>C on transcript NM_017654.4 (MANE Select); coding-DNA position 1517, A replaced by C.
Protein change: p.Lys506Thr; replaces lysine 506 with threonine.
Molecular consequence: missense variant.
Genome position (GRCh38, 1-based): chr7:93,104,581, T>G on the plus strand (A>C on the coding strand, the complement: SAMD9 is on the minus strand). VCF-style: chr7-93104581-T-G. GRCh37 (hg19) VCF-style: chr7-92733894-T-G.
Other names: c.1517A>C, p.Lys506Thr (NM_001193307.2); short protein forms K506T.
Identifiers: ClinVar variation 3437096 (VCV003437096.3).